The following is an entry in ClinVar:

NM_000051.4(ATM):c.2251-5A>T

Gene: ATM (ATM serine/threonine kinase; plus strand). Cytogenetic location: 11q22.3.
Variant type: single nucleotide variant.
Coding change: c.2251-5A>T on transcript NM_000051.4 (MANE Select); 5 bases into the intron before coding-DNA position 2251, A replaced by T.
Molecular consequence: intron variant.
Genome position (GRCh38, 1-based): chr11:108,257,476, A>T. VCF-style: chr11-108257476-A-T. GRCh37 (hg19) VCF-style: chr11-108128203-A-T.
Other names: c.2251-5A>T (NM_001351834.2, NM_000051.3).
Identifiers: ClinVar variation 2709808 (VCV002709808.5), dbSNP rs2135405497, ClinGen allele CA2574970781.

ClinVar aggregate classification (germline): Conflicting classifications of pathogenicity. Review status: criteria provided, conflicting classifications (1 of 4 stars). 3 submissions from 3 submitters: Uncertain significance (1); Likely benign (2). Last evaluated 2024-05-08.

Conditions:
Ataxia-telangiectasia syndrome (AT). Also called: ATAXIA-TELANGIECTASIA, COMPLEMENTATION GROUP A; ATAXIA-TELANGIECTASIA, FRESNO VARIANT; Ataxia-telangiectasia, complementation group D; LOUIS-BAR SYNDROME; AT, COMPLEMENTATION GROUP C; Ataxia-telangiectasia. Identifiers: Orphanet 100, MedGen C0004135, MONDO:0008840, OMIM 208900.
Hereditary cancer-predisposing syndrome. Also called: Neoplastic Syndromes, Hereditary; Hereditary neoplastic syndrome; Tumor predisposition; Hereditary Cancer Syndrome. Identifiers: Orphanet 140162, MedGen C0027672, MeSH D009386, MONDO:0015356.
Familial cancer of breast. Also called: BREAST CANCER, FAMILIAL; Hereditary breast cancer; hereditary breast carcinoma. Identifiers: Orphanet 227535, MedGen C0346153, MONDO:0016419, OMIM 114480. Disease mechanism: loss of function.

Submissions (3):

Myriad Genetics, Inc.
Classification: Likely benign for Familial cancer of breast. Last evaluated: 2024-05-08. Review status: criteria provided, single submitter. Criteria: Myriad Autosomal Dominant, Autosomal Recessive and X-Linked Classification Criteria (2023). Collection method: clinical testing. Allele origin: unknown.
Comment: This variant is considered likely benign. This variant is intronic and is not expected to impact mRNA splicing.

Ambry Genetics
Classification: Uncertain significance for Hereditary cancer-predisposing syndrome. Last evaluated: 2024-04-09. Review status: criteria provided, single submitter. Criteria: Ambry Variant Classification Scheme 2023. Collection method: clinical testing. Allele origin: germline.
Comment: The c.2251-5A>T intronic variant results from an A to T substitution 5 nucleotides before coding exon 14 in the ATM gene. This nucleotide position is well conserved in available vertebrate species. In silico splice site analysis predicts that this alteration will not have any significant effect on splicing. Based on the available evidence, the clinical significance of this variant remains unclear.

Labcorp Genetics (formerly Invitae), Labcorp
Classification: Likely benign for Ataxia-telangiectasia syndrome. Last evaluated: 2024-01-17. Review status: criteria provided, single submitter. Criteria: Invitae Variant Classification Sherloc (09022015). Collection method: clinical testing. Allele origin: germline.